The following is an entry in ClinVar:

ClinVar aggregate classification (germline): Conflicting classifications of pathogenicity. Review status: criteria provided, conflicting classifications (1 of 4 stars). 4 submissions from 4 submitters: Uncertain significance (1); Benign (1); Likely benign (1). 1 of the submissions does not count toward it. Last evaluated 2022-07-01.

Conditions:
Huntington disease-like 2 (HDL2). Identifiers: Orphanet 98934, MedGen C1847987, MONDO:0011671, OMIM 606438.
JPH3-related disorder. Also called: JPH3-related condition.

Allele frequency attached by ClinVar (database versions not stated): 1000 Genomes Project 0.00120; ExAC 0.00124; gnomAD exomes 0.00129; gnomAD 0.00137 and 0.00143; 1000 Genomes Project 30x 0.00141; TOPMed 0.00166; ESP Exome Variant Server 0.00239.
gnomAD v4.1: 2,484 of 1,612,876 alleles (0.15%); highest among the groups gnomAD compares: Admixed American, 0.21%; 2 homozygotes.

Submissions (4):

CeGaT Center for Human Genetics Tuebingen
Classification: Benign. Last evaluated: 2022-07-01. Review status: criteria provided, single submitter. Criteria: CeGaT Center For Human Genetics Tuebingen Variant Classification Criteria Version 2. Collection method: clinical testing. Allele origin: germline. Affected: yes. Observed: 1 variant allele.
Comment: JPH3: BS1, BS2

Labcorp Genetics (formerly Invitae), Labcorp
Classification: Likely benign. Last evaluated: 2019-12-31. Review status: criteria provided, single submitter. Criteria: Invitae Variant Classification Sherloc (09022015). Collection method: clinical testing. Allele origin: germline.

Institute of Human Genetics, University of Leipzig Medical Center
Classification: Uncertain significance for Huntington disease-like 2. Last evaluated: 2017-08-30. Review status: criteria provided, single submitter. Criteria: ACMG Guidelines, 2015. Collection method: clinical testing. Allele origin: germline. Affected: yes. Observed: 1 variant allele.

PreventionGenetics, part of Exact Sciences
Classification: Likely benign for JPH3-related condition. Last evaluated: 2019-07-29. Review status: no assertion criteria provided. Collection method: clinical testing. Allele origin: germline. Not counted in ClinVar's aggregate classification.
Comment: This variant is classified as likely benign based on ACMG/AMP sequence variant interpretation guidelines (Richards et al. 2015 PMID: 25741868, with internal and published modifications).

NM_020655.4(JPH3):c.626G>C (p.Ser209Thr)

Gene: JPH3 (junctophilin 3; plus strand). Cytogenetic location: 16q24.2.
Variant type: single nucleotide variant.
Coding change: c.626G>C on transcript NM_020655.4 (MANE Select); coding-DNA position 626, G replaced by C.
Protein change: p.Ser209Thr; replaces serine 209 with threonine.
Molecular consequence: missense variant. On other transcripts: non-coding transcript variant (1).
Genome position (GRCh38, 1-based): chr16:87,644,501, G>C. VCF-style: chr16-87644501-G-C. GRCh37 (hg19) VCF-style: chr16-87678107-G-C.
Other names: short protein forms S209T.
Identifiers: ClinVar variation 779279 (VCV000779279.30), dbSNP rs144296512, ClinGen allele CA8220790.